The following is an entry in ClinVar:

ClinVar aggregate classification (germline): Uncertain significance (1 of 4 stars; one submission).

Submission:

Labcorp Genetics (formerly Invitae), Labcorp
Classification: Uncertain significance. Last evaluated: 2025-02-17. Review status: criteria provided, single submitter. Criteria: Invitae Variant Classification Sherloc (09022015). Collection method: clinical testing. Allele origin: germline.
Comment: This sequence change replaces valine, which is neutral and non-polar, with leucine, which is neutral and non-polar, at codon 924 of the KIAA1549 protein (p.Val924Leu). This variant is not present in population databases (gnomAD no frequency). This variant has not been reported in the literature in individuals affected with KIAA1549-related conditions. ClinVar contains an entry for this variant (Variation ID: 2780648). An algorithm developed to predict the effect of missense changes on protein structure and function outputs the following: PolyPhen-2: "Benign". The leucine amino acid residue is found in multiple mammalian species, which suggests that this missense change does not adversely affect protein function. In summary, the available evidence is currently insufficient to determine the role of this variant in disease. Therefore, it has been classified as a Variant of Uncertain Significance.

NM_001164665.2(KIAA1549):c.2770G>T (p.Val924Leu)

Gene: KIAA1549 (KIAA1549; minus strand). Cytogenetic location: 7q34.
Variant type: single nucleotide variant.
Coding change: c.2770G>T on transcript NM_001164665.2 (MANE Select); coding-DNA position 2770, G replaced by T.
Protein change: p.Val924Leu; replaces valine 924 with leucine.
Molecular consequence: missense variant.
Genome position (GRCh38, 1-based): chr7:138,916,856, C>A on the plus strand (G>T on the coding strand, the complement: KIAA1549 is on the minus strand). VCF-style: chr7-138916856-C-A. GRCh37 (hg19) VCF-style: chr7-138601602-C-A.
Other names: c.2770G>T, p.Val924Leu (NM_020910.3); short protein forms V924L.
Identifiers: ClinVar variation 2780648 (VCV002780648.3), dbSNP rs148827805, ClinGen allele CA369392022.